The following is an entry in ClinVar:

NM_017802.4(DNAAF5):c.2379G>T (p.Glu793Asp)

Gene: DNAAF5 (dynein axonemal assembly factor 5; plus strand). Cytogenetic location: 7p22.3.
Variant type: single nucleotide variant.
Coding change: c.2379G>T on transcript NM_017802.4 (MANE Select); coding-DNA position 2379, G replaced by T.
Protein change: p.Glu793Asp; replaces glutamic acid 793 with aspartic acid.
Molecular consequence: missense variant. On other transcripts: non-coding transcript variant (1).
Genome position (GRCh38, 1-based): chr7:780,092, G>T. VCF-style: chr7-780092-G-T. GRCh37 (hg19) VCF-style: chr7-819729-G-T.
Other names: short protein forms E793D.
Identifiers: ClinVar variation 1790402 (VCV001790402.2), dbSNP rs1487211423, ClinGen allele CA366548011.

ClinVar aggregate classification (germline): Uncertain significance (1 of 4 stars; one submission).

Conditions:
Primary ciliary dyskinesia. Also called: Ciliary dyskinesia. Identifiers: Orphanet 244, MedGen C0008780, MONDO:0016575, HP:0012265.

gnomAD v4.1: 7 of 1,614,206 alleles (0.00043%); highest among the groups gnomAD compares: South Asian, 0.0011%; no homozygotes.

Submission:

Ambry Genetics
Classification: Uncertain significance for Primary ciliary dyskinesia. Last evaluated: 2022-07-11. Review status: criteria provided, single submitter. Criteria: Ambry Variant Classification Scheme 2023. Collection method: clinical testing. Allele origin: germline.
Comment: The p.E793D variant (also known as c.2379G>T), located in coding exon 12 of the DNAAF5 gene, results from a G to T substitution at nucleotide position 2379. The glutamic acid at codon 793 is replaced by aspartic acid, an amino acid with highly similar properties. This amino acid position is conserved. In addition, this alteration is predicted to be tolerated by in silico analysis. Since supporting evidence is limited at this time, the clinical significance of this alteration remains unclear.